The following is an entry in ClinVar:

ClinVar aggregate classification (germline): Uncertain significance. Review status: criteria provided, multiple submitters, no conflicts (2 of 4 stars). 2 submissions from 2 submitters: Uncertain significance (2). Last evaluated 2025-01-01.

Conditions:
Neuromuscular disease caused by qualitative or quantitative defects of dysferlin. Also called: Dysferlinopathy; Qualitative or quantitative defects of dysferlin. Identifiers: Orphanet 207073, MedGen C2931687, MONDO:0016145.

Submissions (2):

Labcorp Genetics (formerly Invitae), Labcorp
Classification: Uncertain significance for Neuromuscular disease caused by qualitative or quantitative defects of dysferlin. Last evaluated: 2025-01-01. Review status: criteria provided, single submitter. Criteria: Invitae Variant Classification Sherloc (09022015). Collection method: clinical testing. Allele origin: germline.
Comment: This sequence change replaces lysine, which is basic and polar, with arginine, which is basic and polar, at codon 355 of the DYSF protein (p.Lys355Arg). This variant is not present in population databases (gnomAD no frequency). This variant has not been reported in the literature in individuals affected with DYSF-related conditions. ClinVar contains an entry for this variant (Variation ID: 288492). Invitae Evidence Modeling of protein sequence and biophysical properties (such as structural, functional, and spatial information, amino acid conservation, physicochemical variation, residue mobility, and thermodynamic stability) indicates that this missense variant is not expected to disrupt DYSF protein function with a negative predictive value of 95%. In summary, the available evidence is currently insufficient to determine the role of this variant in disease. Therefore, it has been classified as a Variant of Uncertain Significance.

Eurofins Ntd Llc (ga)
Classification: Uncertain significance. Last evaluated: 2016-06-06. Review status: criteria provided, single submitter. Criteria: EGL Classification Definitions 2015. Collection method: clinical testing. Allele origin: germline. Observed: 1 variant allele, 1 heterozygote.

NM_001130987.2(DYSF):c.1160A>G (p.Lys387Arg)

Gene: DYSF (dysferlin; plus strand). Cytogenetic location: 2p13.2.
Variant type: single nucleotide variant.
Coding change: c.1160A>G on transcript NM_001130987.2 (MANE Select); coding-DNA position 1160, A replaced by G.
Protein change: p.Lys387Arg; replaces lysine 387 with arginine.
Molecular consequence: missense variant.
Genome position (GRCh38, 1-based): chr2:71,526,230, A>G. VCF-style: chr2-71526230-A-G. GRCh37 (hg19) VCF-style: chr2-71753360-A-G.
Other names: c.1067A>G, p.Lys356Arg (NM_001130455.2, NM_001130983.2, NM_001130984.2 and 1 more transcripts); c.1064A>G, p.Lys355Arg (NM_001130976.2, NM_001130977.2, NM_001130978.2 and 1 more transcripts); c.1157A>G, p.Lys386Arg (NM_001130979.2, NM_001130980.2, NM_001130981.2); c.1160A>G, p.Lys387Arg (NM_001130982.2, NM_001130985.2); short protein forms K355R, K387R, K356R, K386R.
Identifiers: ClinVar variation 288492 (VCV000288492.7), dbSNP rs886043914, ClinGen allele CA10606107.
Genomic context (GRCh38, chr2:71,526,230, plus strand): 5'-ACCCTGTGCTCAGGAGCGCATGAAGGAATCGTATTTGGTTTTCTTTGTAGCTGGAGAGAA[A>G]AGACCCCTCTGAAGACAAGGAGGACATTGAAAGCAACCTGCTCCGGCCCACAGGCGTAGC-3'
Protein context (NP_001124459.1, residues 377-397): GPGDEAPLER[Lys387Arg]DPSEDKEDIE